The following is an entry in ClinVar:

NM_033402.5(LRRCC1):c.554C>G (p.Ala185Gly)

Gene: LRRCC1 (leucine rich repeat and coiled-coil centrosomal protein 1; plus strand). Cytogenetic location: 8q21.2.
Variant type: single nucleotide variant.
Coding change: c.554C>G on transcript NM_033402.5 (MANE Select); coding-DNA position 554, C replaced by G.
Protein change: p.Ala185Gly; replaces alanine 185 with glycine.
Molecular consequence: missense variant. On other transcripts: intron variant (2).
Genome position (GRCh38, 1-based): chr8:85,115,109, C>G. VCF-style: chr8-85115109-C-G. GRCh37 (hg19) VCF-style: chr8-86027344-C-G.
Other names: c.275C>G, p.Ala92Gly (NM_001349636.2); c.128C>G, p.Ala43Gly (NM_001349637.2); c.33+2010C>G (NM_001349638.2); c.-14+2010C>G (NM_001349639.2); short protein forms A92G, A43G, A185G.
Identifiers: ClinVar variation 4734649 (VCV004734649.1).

ClinVar aggregate classification (germline): Uncertain significance (1 of 4 stars; one submission).

Submission:

Labcorp Genetics (formerly Invitae), Labcorp
Classification: Uncertain significance. Last evaluated: 2026-01-12. Review status: criteria provided, single submitter. Criteria: Invitae Variant Classification Sherloc (09022015). Collection method: clinical testing. Allele origin: germline.
Comment: This sequence change replaces alanine, which is neutral and non-polar, with glycine, which is neutral and non-polar, at codon 185 of the LRRCC1 protein (p.Ala185Gly). This variant is not present in population databases (gnomAD no frequency). This variant has not been reported in the literature in individuals affected with LRRCC1-related conditions. An algorithm developed to predict the effect of missense changes on protein structure and function outputs the following: PolyPhen-2: "Benign". The glycine amino acid residue is found in multiple mammalian species, which suggests that this missense change does not adversely affect protein function. In summary, the available evidence is currently insufficient to determine the role of this variant in disease. Therefore, it has been classified as a Variant of Uncertain Significance.